The following is an entry in ClinVar:

ClinVar aggregate classification (germline): Uncertain significance (1 of 4 stars; one submission).

Submission:

Women's Health and Genetics/Laboratory Corporation of America, LabCorp
Classification: Uncertain significance. Last evaluated: 2024-08-14. Review status: criteria provided, single submitter. Criteria: LabCorp Variant Classification Summary - May 2015. Collection method: clinical testing. Allele origin: germline.
Comment: Variant summary: TMEM216 c.217C>A (p.Arg73Ser) results in a non-conservative amino acid change in the encoded protein sequence. Five of five in-silico tools predict a damaging effect of the variant on protein function. The variant was absent in 249232 control chromosomes. The available data on variant occurrences in the general population are insufficient to allow any conclusion about variant significance. To our knowledge, no occurrence of c.217C>A in individuals affected with Joubert Syndrome And Related Disorders and no experimental evidence demonstrating its impact on protein function have been reported. A different variant affecting the same codon has been classified as pathogenic by our lab (c.218G>T, p.Arg73Leu), supporting the critical relevance of codon 73 to TMEM216 protein function. No submitters have cited clinical-significance assessments for this variant to ClinVar. Based on the evidence outlined above, the variant was classified as uncertain significance.

NM_001173990.3(TMEM216):c.217C>A (p.Arg73Ser)

Gene: TMEM216 (transmembrane protein 216; plus strand). Cytogenetic location: 11q12.2.
Variant type: single nucleotide variant.
Coding change: c.217C>A on transcript NM_001173990.3 (MANE Select); coding-DNA position 217, C replaced by A.
Protein change: p.Arg73Ser; replaces arginine 73 with serine.
Molecular consequence: missense variant.
Genome position (GRCh38, 1-based): chr11:61,393,964, C>A. VCF-style: chr11-61393964-C-A. GRCh37 (hg19) VCF-style: chr11-61161436-C-A.
Other names: c.217C>A, p.Arg73Ser (NM_001173991.3); c.34C>A, p.Arg12Ser (NM_001330285.2, NM_016499.6); short protein forms R12S, R73S.
Identifiers: ClinVar variation 3366807 (VCV003366807.1).